The following is an entry in ClinVar:

NM_025257.3(SLC44A4):c.1542del (p.Ile514fs)

Gene: SLC44A4 (solute carrier family 44 member 4; minus strand). Cytogenetic location: 6p21.33.
Variant type: Deletion.
Coding change: c.1542del on transcript NM_025257.3 (MANE Select); coding-DNA position 1542, one base deleted (A; older notation c.1542delA).
Protein change: p.Ile514fs; shifts the reading frame from isoleucine 514.
Molecular consequence: frameshift variant.
Genome position (GRCh38, 1-based): chr6:31,865,730, T deleted on the plus strand (A on the coding strand, the reverse complement: SLC44A4 is on the minus strand). VCF-style (leftmost placement, unchanged base first): chr6-31865729-CT-C. GRCh37 (hg19) VCF-style: chr6-31833506-CT-C.
Other names: c.1416del, p.Ile472fs (NM_001178044.2); c.1314del, p.Ile438fs (NM_001178045.2); short protein forms I438fs, I472fs, I514fs.
Identifiers: ClinVar variation 4879256 (VCV004879256.1).
Genomic context (GRCh38, chr6:31,865,729, plus strand): 5'-CTACTCCGACTCCAGACTCACCTCTGAGCTTGTGGTCAATATACTCCAAGATGACCCGGG[CT>C]ATCTGCACAAGGGTCAGGATGAGGGCTCCAAATGCCAATGACCCAGTGTGGTAACTGCAG-3'

ClinVar aggregate classification (germline): Uncertain significance (1 of 4 stars; one submission).

Conditions:
Autosomal recessive proximal renal tubular acidosis (PRTAO). Also called: RENAL TUBULAR ACIDOSIS, PROXIMAL, WITH OCULAR ABNORMALITIES AND MENTAL RETARDATION; PROXIMAL RENAL TUBULAR ACIDOSIS-OCULAR ANOMALY SYNDROME; RTA, PROXIMAL, AUTOSOMAL RECESSIVE; RENAL TUBULAR ACIDOSIS, PROXIMAL, WITH OCULAR ABNORMALITIES AND IMPAIRED INTELLECTUAL DEVELOPMENT. Identifiers: Orphanet 93607, MedGen C1970309, MONDO:0011422, OMIM 604278.

Submission:

Clinical Genomics Laboratory, Washington University in St. Louis
Classification: Uncertain significance for Autosomal recessive proximal renal tubular acidosis. Last evaluated: 2026-03-03. Review status: criteria provided, single submitter. Criteria: ACMG Guidelines, 2015. Collection method: clinical testing. Allele origin: germline.
Comment: The SLC44A4 c.1542del (p.Ile514Metfs*20) variant, to our knowledge, has not been reported in the medical literature. This variant is absent from the general population (gnomAD v2.1.1), indicating it is not a common variant. This variant causes a frameshift by deleting one nucleotide, leading to a premature termination codon, which is predicted to lead to nonsense mediated decay. Due to limited information, the clinical significance of this variant is uncertain.